The following is an entry in ClinVar:

ClinVar aggregate classification (germline): Uncertain significance (1 of 4 stars; one submission).

Conditions:
Acromesomelic dysplasia 1, Maroteaux type (AMD1). Also called: ST. HELENA DYSPLASIA; ACROMESOMELIC DYSPLASIA 1. Identifiers: Orphanet 40, MedGen C1864356, MONDO:0011275, OMIM 602875.
Tall stature-scoliosis-macrodactyly of the great toes syndrome. Also called: Epiphyseal chondrodysplasia, miura type. Identifiers: Orphanet 329191, MedGen C4014690, MONDO:0014401, OMIM 615923.

Submission:

Labcorp Genetics (formerly Invitae), Labcorp
Classification: Uncertain significance for Tall stature-scoliosis-macrodactyly of the great toes syndrome; Acromesomelic dysplasia 1, Maroteaux type. Last evaluated: 2023-05-20. Review status: criteria provided, single submitter. Criteria: Invitae Variant Classification Sherloc (09022015). Collection method: clinical testing. Allele origin: germline.
Comment: This variant has not been reported in the literature in individuals affected with NPR2-related conditions. In summary, the available evidence is currently insufficient to determine the role of this variant in disease. Therefore, it has been classified as a Variant of Uncertain Significance. Advanced modeling of protein sequence and biophysical properties (such as structural, functional, and spatial information, amino acid conservation, physicochemical variation, residue mobility, and thermodynamic stability) performed at Invitae indicates that this missense variant is not expected to disrupt NPR2 protein function. This variant is not present in population databases (gnomAD no frequency). This sequence change replaces phenylalanine, which is neutral and non-polar, with valine, which is neutral and non-polar, at codon 111 of the NPR2 protein (p.Phe111Val).

NM_003995.4(NPR2):c.331T>G (p.Phe111Val)

Gene: NPR2 (natriuretic peptide receptor 2; plus strand). Cytogenetic location: 9p13.3.
Variant type: single nucleotide variant.
Coding change: c.331T>G on transcript NM_003995.4 (MANE Select); coding-DNA position 331, T replaced by G.
Protein change: p.Phe111Val; replaces phenylalanine 111 with valine.
Molecular consequence: missense variant.
Genome position (GRCh38, 1-based): chr9:35,792,739, T>G. VCF-style: chr9-35792739-T-G. GRCh37 (hg19) VCF-style: chr9-35792736-T-G.
Other names: c.331T>G, p.Phe111Val (NM_001378923.1); short protein forms F111V.
Identifiers: ClinVar variation 2944002 (VCV002944002.3), dbSNP rs1184745327, ClinGen allele CA373363271.